The following is an entry in ClinVar:

ClinVar aggregate classification (germline): Pathogenic (1 of 4 stars; one submission).

Conditions:
Retinitis pigmentosa 12 (RP12). Also called: RP WITH OR WITHOUT PRESERVED PARAARTERIOLE RETINAL PIGMENT EPITHELIUM; RETINITIS PIGMENTOSA WITH OR WITHOUT PARAARTERIOLAR PRESERVATION OF RETINAL PIGMENT EPITHELIUM; RP WITH OR WITHOUT PPRPE. Identifiers: Orphanet 791, MedGen C1838647, MONDO:0010818, OMIM 600105.
Leber congenital amaurosis 8 (LCA8). Identifiers: Orphanet 65, MedGen C3151202, MONDO:0013453, OMIM 613835.

Submission:

Labcorp Genetics (formerly Invitae), Labcorp
Classification: Pathogenic for Leber congenital amaurosis 8; Retinitis pigmentosa 12. Last evaluated: 2021-09-08. Review status: criteria provided, single submitter. Criteria: Invitae Variant Classification Sherloc (09022015). Collection method: clinical testing. Allele origin: germline.
Comment: For these reasons, this variant has been classified as Pathogenic. This sequence change creates a premature translational stop signal (p.Glu353*) in the CRB1 gene. It is expected to result in an absent or disrupted protein product. Loss-of-function variants in CRB1 are known to be pathogenic (PMID: 10508521, 22065545, 23379534, 25412400, 26957898, 28041643, 29391521). This variant is not present in population databases (ExAC no frequency). This variant has not been reported in the literature in individuals affected with CRB1-related conditions. Algorithms developed to predict the effect of sequence changes on RNA splicing suggest that this variant may create or strengthen a splice site.

Literature cited by the submitters: PubMed 10508521; PubMed 22065545; PubMed 23379534; PubMed 25412400; PubMed 26957898; PubMed 28041643; PubMed 29391521.

NM_201253.3(CRB1):c.1057G>T (p.Glu353Ter)

Gene: CRB1 (crumbs cell polarity complex component 1; plus strand). Cytogenetic location: 1q31.3.
Variant type: single nucleotide variant.
Coding change: c.1057G>T on transcript NM_201253.3 (MANE Select); coding-DNA position 1057, G replaced by T.
Protein change: p.Glu353Ter; replaces glutamic acid 353 with a stop codon.
Molecular consequence: nonsense. On other transcripts: non-coding transcript variant (2).
Genome position (GRCh38, 1-based): chr1:197,356,899, G>T. VCF-style: chr1-197356899-G-T. GRCh37 (hg19) VCF-style: chr1-197326029-G-T.
Other names: c.721G>T, p.Glu241Ter (NM_001193640.2); c.850G>T, p.Glu284Ter (NM_001257965.2); c.1057G>T, p.Glu353Ter (NM_001257966.2); short protein forms E284*, E241*, E353*.
Identifiers: ClinVar variation 1421076 (VCV001421076.6), dbSNP rs2125354456, ClinGen allele CA344084446.
Genomic context (GRCh38, chr1:197,356,899, plus strand): 5'-GGTGCCCAGTGTGAGATCGACCTCAATGAATGCAATAGTAACCCCTGCCAGTCCAATGGG[G>T]AATGTGTGGAGCTGTCCTCAGAGAAACAATATGGACGCATCACTGGACTGCCTTCTTCTT-3'